The following is an entry in ClinVar:

ClinVar aggregate classification (germline): Likely benign. Review status: criteria provided, multiple submitters, no conflicts (2 of 4 stars). 2 submissions from 2 submitters: Likely benign (2). Last evaluated 2025-09-01.

gnomAD v4.1: 76 of 1,614,160 alleles (0.0047%); highest among the groups gnomAD compares: East Asian, 0.053%; 1 homozygote.

Submissions (2):

CeGaT Center for Human Genetics Tuebingen
Classification: Likely benign. Last evaluated: 2025-09-01. Review status: criteria provided, single submitter. Criteria: CeGaT Center For Human Genetics Tuebingen Variant Classification Criteria Version 2. Collection method: clinical testing. Allele origin: germline. Affected: yes. Observed: 1 variant allele.
Comment: RP1L1: BP4, BP7

Blueprint Genetics
Classification: Likely benign. Last evaluated: 2024-10-28. Review status: criteria provided, single submitter. Criteria: ACMG Guidelines, 2015. Collection method: clinical testing. Allele origin: germline.

NM_178857.6(RP1L1):c.3759A>G (p.Gln1253=)

Gene: RP1L1 (RP1 like 1). Cytogenetic location: 8p23.1.
Variant type: single nucleotide variant.
Coding change: c.3759A>G on transcript NM_178857.6 (MANE Select); coding-DNA position 3759, A replaced by G.
Protein change: p.Gln1253=; no amino-acid change (glutamine 1253 retained).
Molecular consequence: synonymous variant.
Genome position (GRCh38, 1-based): chr8:10,610,339, T>C on the plus strand (A>G on the coding strand, the complement: RP1L1 is on the minus strand). VCF-style: chr8-10610339-T-C. GRCh37 (hg19) VCF-style: chr8-10467849-T-C.
Identifiers: ClinVar variation 4280752 (VCV004280752.8).